The following is an entry in ClinVar:

NM_000059.4(BRCA2):c.4916T>C (p.Val1639Ala)

Gene: BRCA2 (BRCA2 DNA repair associated; plus strand). Cytogenetic location: 13q13.1.
Variant type: single nucleotide variant.
Coding change: c.4916T>C on transcript NM_000059.4 (MANE Select); coding-DNA position 4916, T replaced by C.
Protein change: p.Val1639Ala; replaces valine 1639 with alanine.
Molecular consequence: missense variant.
Genome position (GRCh38, 1-based): chr13:32,339,271, T>C. VCF-style: chr13-32339271-T-C. GRCh37 (hg19) VCF-style: chr13-32913408-T-C.
Other names: c.4916T>C, p.Val1639Ala (NM_001406719.1, NM_001406720.1); short protein forms V1639A.
Identifiers: ClinVar variation 2113190 (VCV002113190.6), dbSNP rs2137511622, ClinGen allele CA387783607.

ClinVar aggregate classification (germline): Conflicting classifications of pathogenicity. Review status: criteria provided, conflicting classifications (1 of 4 stars). 2 submissions from 2 submitters: Uncertain significance (1); Likely benign (1). Last evaluated 2023-03-23.

Conditions:
Hereditary cancer-predisposing syndrome. Also called: Neoplastic Syndromes, Hereditary; Tumor predisposition; Hereditary Cancer Syndrome; Hereditary neoplastic syndrome. Identifiers: Orphanet 140162, MedGen C0027672, MeSH D009386, MONDO:0015356.
Hereditary breast ovarian cancer syndrome. Also called: Hereditary breast and ovarian cancer syndrome; Hereditary breast and ovarian cancer; Hereditary breast and ovarian cancer syndrome (HBOC); Hereditary breast and/or ovarian cancer syndrome; Breast and ovarian cancer; BRCA1- and BRCA2-Associated Hereditary Breast and Ovarian Cancer. Identifiers: Orphanet 145, MedGen C0677776, MeSH D061325, MONDO:0003582. Disease mechanism: loss of function.

Submissions (2):

University of Washington Department of Laboratory Medicine, University of Washington
Classification: Likely benign for Hereditary cancer-predisposing syndrome. Last evaluated: 2023-03-23. Review status: criteria provided, single submitter. Criteria: Dines et al. (Genet Med. 2020). Collection method: curation. Allele origin: germline.
Comment: Missense variant in a coldspot region where missense variants are very unlikely to be pathogenic (PMID:31911673).

BRCA2 exon 11 coldspot. Reclassification based on statistical prior probability.

Labcorp Genetics (formerly Invitae), Labcorp
Classification: Uncertain significance for Hereditary breast ovarian cancer syndrome. Last evaluated: 2022-03-17. Review status: criteria provided, single submitter. Criteria: Invitae Variant Classification Sherloc (09022015). Collection method: clinical testing. Allele origin: germline.
Comment: In summary, the available evidence is currently insufficient to determine the role of this variant in disease. Therefore, it has been classified as a Variant of Uncertain Significance. Advanced modeling of protein sequence and biophysical properties (such as structural, functional, and spatial information, amino acid conservation, physicochemical variation, residue mobility, and thermodynamic stability) performed at Invitae indicates that this missense variant is not expected to disrupt BRCA2 protein function. This variant has not been reported in the literature in individuals affected with BRCA2-related conditions. This variant is not present in population databases (gnomAD no frequency). This sequence change replaces valine, which is neutral and non-polar, with alanine, which is neutral and non-polar, at codon 1639 of the BRCA2 protein (p.Val1639Ala).